The following is an entry in ClinVar:

ClinVar aggregate classification (germline): Uncertain significance (1 of 4 stars; one submission).

Conditions:
Lethal congenital glycogen storage disease of heart. Also called: GLYCOGEN STORAGE DISEASE OF HEART; PHOSPHORYLASE KINASE DEFICIENCY OF HEART. Identifiers: Orphanet 439854, MedGen C1849813, MONDO:0009867, OMIM 261740.

Submission:

Labcorp Genetics (formerly Invitae), Labcorp
Classification: Uncertain significance for Lethal congenital glycogen storage disease of heart. Last evaluated: 2020-06-13. Review status: criteria provided, single submitter. Criteria: Invitae Variant Classification Sherloc (09022015). Collection method: clinical testing. Allele origin: germline.
Comment: This sequence change replaces tyrosine with cysteine at codon 487 of the PRKAG2 protein (p.Tyr487Cys). The tyrosine residue is highly conserved and there is a large physicochemical difference between tyrosine and cysteine. In summary, the available evidence is currently insufficient to determine the role of this variant in disease. Therefore, it has been classified as a Variant of Uncertain Significance. Algorithms developed to predict the effect of missense changes on protein structure and function (SIFT, PolyPhen-2, Align-GVGD) all suggest that this variant is likely to be disruptive, but these predictions have not been confirmed by published functional studies and their clinical significance is uncertain. This variant has not been reported in the literature in individuals with PRKAG2-related conditions. This variant is not present in population databases (ExAC no frequency).

NM_016203.4(PRKAG2):c.1460A>G (p.Tyr487Cys)

Gene: PRKAG2 (protein kinase AMP-activated non-catalytic subunit gamma 2; minus strand). Cytogenetic location: 7q36.1.
Variant type: single nucleotide variant.
Coding change: c.1460A>G on transcript NM_016203.4 (MANE Select); coding-DNA position 1460, A replaced by G.
Protein change: p.Tyr487Cys; replaces tyrosine 487 with cysteine.
Molecular consequence: missense variant.
Genome position (GRCh38, 1-based): chr7:151,564,202, T>C on the plus strand (A>G on the coding strand, the complement: PRKAG2 is on the minus strand). VCF-style: chr7-151564202-T-C. GRCh37 (hg19) VCF-style: chr7-151261288-T-C.
Other names: c.1328A>G, p.Tyr443Cys (NM_001040633.2); c.1085A>G, p.Tyr362Cys (NM_001304527.2); c.737A>G, p.Tyr246Cys (NM_001304531.2, NM_024429.2); c.1088A>G, p.Tyr363Cys (NM_001363698.2); short protein forms Y246C, Y362C, Y363C, Y443C, Y487C.
Identifiers: ClinVar variation 1007506 (VCV001007506.8), dbSNP rs1805709675, ClinGen allele CA370070695.
Genomic context (GRCh38, chr7:151,564,202, plus strand): 5'-CCTTCAAAATACTGTGAACGGTGCTGAAGGGCCTGGGTCACCGTGATATCTAGGTTATTG[T>C]ATGTTTTCTCAGCAGCAAGATTCTGTAATGAAGCAAGAGAATAAATTATATCCTTTCATT-3'
Protein context (NP_057287.2, residues 477-497): DVINLAAEKT[Tyr487Cys]NNLDITVTQA